The following is an entry in ClinVar:

ClinVar aggregate classification (germline): Uncertain significance (1 of 4 stars; one submission).

Submission:

GeneDx
Classification: Uncertain significance. Last evaluated: 2025-10-16. Review status: criteria provided, single submitter. Criteria: GeneDx Variant Classification Process June 2021. Collection method: clinical testing. Allele origin: germline.
Comment: Not observed at significant frequency in large population cohorts (gnomAD); In silico analysis supports that this missense variant has a deleterious effect on protein structure/function; Has not been previously published as pathogenic or benign to our knowledge

NM_001130438.3(SPTAN1):c.4457A>G (p.Lys1486Arg)

Gene: SPTAN1 (spectrin alpha, non-erythrocytic 1; plus strand). Cytogenetic location: 9q34.11.
Variant type: single nucleotide variant.
Coding change: c.4457A>G on transcript NM_001130438.3 (MANE Select); coding-DNA position 4457, A replaced by G.
Protein change: p.Lys1486Arg; replaces lysine 1486 with arginine.
Molecular consequence: missense variant.
Genome position (GRCh38, 1-based): chr9:128,608,242, A>G. VCF-style: chr9-128608242-A-G. GRCh37 (hg19) VCF-style: chr9-131370521-A-G.
Other names: c.4397A>G, p.Lys1466Arg (NM_001195532.2, NM_001363765.2, NM_001375314.2); c.4457A>G, p.Lys1486Arg (NM_001363759.2, NM_001375310.1, NM_001375311.2 and 2 more transcripts); c.4493A>G, p.Lys1498Arg (NM_001375312.2, NM_001375318.1); short protein forms K1466R, K1486R, K1498R.
Identifiers: ClinVar variation 3361209 (VCV003361209.2).